The following is an entry in ClinVar:

NM_002458.3(MUC5B):c.5647A>G (p.Ser1883Gly)

Genes: MUC5B-AS1 (MUC5B antisense RNA 1; minus strand), MUC5B (mucin 5B, oligomeric mucus/gel-forming; plus strand). Cytogenetic location: 11p15.5.
Variant type: single nucleotide variant.
Coding change: c.5647A>G on transcript NM_002458.3 (MANE Select); coding-DNA position 5647, A replaced by G.
Protein change: p.Ser1883Gly; replaces serine 1883 with glycine.
Molecular consequence: missense variant. On other transcripts: non-coding transcript variant (1).
Genome position (GRCh38, 1-based): chr11:1,242,527, A>G. VCF-style: chr11-1242527-A-G. GRCh37 (hg19) VCF-style: chr11-1263757-A-G.
Other names: short protein forms S1883G.
Identifiers: ClinVar variation 403130 (VCV000403130.5), dbSNP rs78692183, ClinGen allele CA5805744.

ClinVar aggregate classification (germline): Benign. Review status: criteria provided, multiple submitters, no conflicts (2 of 4 stars). 2 submissions from 2 submitters: Benign (2). Last evaluated 2016-03-28.

Allele frequency attached by ClinVar (database versions not stated): 1000 Genomes Project 30x 0.01483; 1000 Genomes Project 0.01538; TOPMed 0.02003; gnomAD 0.02532 and 0.02619; gnomAD exomes 0.02679; ESP Exome Variant Server 0.02718; ExAC 0.02804.
gnomAD v4.1: 47,972 of 1,613,698 alleles (3%); highest among the groups gnomAD compares: Non-Finnish European, 3.3%; 913 homozygotes.

Submissions (2):

Laboratory for Molecular Medicine, Mass General Brigham Personalized Medicine
Classification: Benign. Last evaluated: 2016-03-28. Review status: criteria provided, single submitter. Criteria: LMM Criteria. Collection method: clinical testing. Allele origin: germline.
Comment: Variant identified in a genome or exome case(s) and assessed due to predicted null impact of the variant or pathogenic assertions in the literature or databases. Disclaimer: This variant has not undergone full assessment. The following are preliminary notes: Frequency

Breakthrough Genomics
Classification: Benign. Review status: criteria provided, single submitter. Criteria: ACMG Guidelines, 2015. Collection method: not provided. Allele origin: germline. Inheritance: Autosomal dominant inheritance. Affected: yes.